The following is an entry in ClinVar:

ClinVar aggregate classification (germline): Uncertain significance. Review status: criteria provided, multiple submitters, no conflicts (2 of 4 stars). 2 submissions from 2 submitters: Uncertain significance (2). Last evaluated 2025-05-15.

Conditions:
Familial thoracic aortic aneurysm and aortic dissection (TAAD). Also called: Thoracic aortic aneurysms and dissections. Identifiers: Orphanet 91387, MedGen C4707243, MONDO:0019625.

gnomAD v4.1: 4 of 1,614,202 alleles (0.00025%); highest among the groups gnomAD compares: Non-Finnish European, 0.00034%; no homozygotes.

Submissions (2):

Ambry Genetics
Classification: Uncertain significance for Familial thoracic aortic aneurysm and aortic dissection. Last evaluated: 2025-05-15. Review status: criteria provided, single submitter. Criteria: Ambry Variant Classification Scheme 2023. Collection method: clinical testing. Allele origin: germline.
Comment: The p.S559G variant (also known as c.1675A>G), located in coding exon 13 of the MYH11 gene, results from an A to G substitution at nucleotide position 1675. The serine at codon 559 is replaced by glycine, an amino acid with similar properties. This amino acid position is conserved. In addition, this alteration is predicted to be tolerated by in silico analysis. Based on the available evidence, the clinical significance of this variant remains unclear.

Color Diagnostics, LLC DBA Color Health
Classification: Uncertain significance for Familial thoracic aortic aneurysm and aortic dissection. Last evaluated: 2023-11-08. Review status: criteria provided, single submitter. Criteria: ACMG Guidelines, 2015. Collection method: clinical testing. Allele origin: germline.
Comment: This missense variant replaces serine with glycine at codon 566 of the MYH11 protein. Computational prediction suggests that this variant may not impact protein structure and function. To our knowledge, functional studies have not been reported for this variant. This variant has not been reported in individuals affected with MYH11-related disorders in the literature. This variant has been identified in 1/251464 chromosomes in the general population by the Genome Aggregation Database (gnomAD). The available evidence is insufficient to determine the role of this variant in disease conclusively. Therefore, this variant is classified as a Variant of Uncertain Significance.

NM_002474.3(MYH11):c.1675A>G (p.Ser559Gly)

Gene: MYH11 (myosin heavy chain 11; minus strand). Cytogenetic location: 16p13.11.
Variant type: single nucleotide variant.
Coding change: c.1675A>G on transcript NM_002474.3 (MANE Select); coding-DNA position 1675, A replaced by G.
Protein change: p.Ser559Gly; replaces serine 559 with glycine.
Molecular consequence: missense variant.
Genome position (GRCh38, 1-based): chr16:15,756,415, T>C on the plus strand (A>G on the coding strand, the complement: MYH11 is on the minus strand). VCF-style: chr16-15756415-T-C. GRCh37 (hg19) VCF-style: chr16-15850272-T-C.
Other names: c.1696A>G, p.Ser566Gly (NM_001040113.2, NM_001040114.2); c.1675A>G, p.Ser559Gly (NM_022844.3); short protein forms S559G, S566G.
Identifiers: ClinVar variation 3915408 (VCV003915408.2).
Genomic context (GRCh38, chr16:15,756,415, plus strand): 5'-GGATGATGGAGAACTCAGTCTTGTCCTTGAGCTGCTTGGGCTTCTGGAACTTGGGGTGGC[T>C]GCCCTGCTCCGTGCACAGCTTCTCCACGAAAGACTTGTCCGTGGCTTTGGGGAACCAGCA-3'
Protein context (NP_002465.1, residues 549-569): FVEKLCTEQG[Ser559Gly]HPKFQKPKQL